The following is an entry in ClinVar:

NM_144701.3(IL23R):c.1400C>T (p.Ser467Leu)

Gene: IL23R (interleukin 23 receptor; plus strand). Cytogenetic location: 1p31.3.
Variant type: single nucleotide variant.
Coding change: c.1400C>T on transcript NM_144701.3 (MANE Select); coding-DNA position 1400, C replaced by T.
Protein change: p.Ser467Leu; replaces serine 467 with leucine.
Molecular consequence: missense variant.
Genome position (GRCh38, 1-based): chr1:67,258,638, C>T. VCF-style: chr1-67258638-C-T. GRCh37 (hg19) VCF-style: chr1-67724321-C-T.
Other names: short protein forms S467L.
Identifiers: ClinVar variation 1438011 (VCV001438011.8), dbSNP rs772901651, ClinGen allele CA900008.

ClinVar aggregate classification (germline): Uncertain significance. Review status: criteria provided, multiple submitters, no conflicts (2 of 4 stars). 2 submissions from 2 submitters: Uncertain significance (2). Last evaluated 2026-01-13.

Allele frequency attached by ClinVar (database versions not stated): gnomAD 0.00003; TOPMed 0.00004.
gnomAD v4.1: 52 of 1,613,746 alleles (0.0032%); highest among the groups gnomAD compares: African/African-American, 0.004%; no homozygotes.

Submissions (2):

Labcorp Genetics (formerly Invitae), Labcorp
Classification: Uncertain significance. Last evaluated: 2026-01-13. Review status: criteria provided, single submitter. Criteria: Invitae Variant Classification Sherloc (09022015). Collection method: clinical testing. Allele origin: germline.
Comment: This sequence change replaces serine, which is neutral and polar, with leucine, which is neutral and non-polar, at codon 467 of the IL23R protein (p.Ser467Leu). This variant is present in population databases (rs772901651, gnomAD 0.007%). This variant has not been reported in the literature in individuals affected with IL23R-related conditions. ClinVar contains an entry for this variant (Variation ID: 1438011). An algorithm developed to predict the effect of missense changes on protein structure and function (PolyPhen-2) suggests that this variant is likely to be tolerated. In summary, the available evidence is currently insufficient to determine the role of this variant in disease. Therefore, it has been classified as a Variant of Uncertain Significance.

Blueprint Genetics
Classification: Uncertain significance. Last evaluated: 2021-03-10. Review status: criteria provided, single submitter. Criteria: ACMG Guidelines, 2015. Collection method: clinical testing. Allele origin: germline.